The following is an entry in ClinVar:

NM_004370.6(COL12A1):c.4417+4A>G

Genes: COL12A1 (collagen type XII alpha 1 chain; minus strand), LOC129996730 (ATAC-STARR-seq lymphoblastoid active region 24756; plus strand). Cytogenetic location: 6q13.
Variant type: single nucleotide variant.
Coding change: c.4417+4A>G on transcript NM_004370.6 (MANE Select); 4 bases into the intron after coding-DNA position 4417, A replaced by G.
Molecular consequence: intron variant.
Genome position (GRCh38, 1-based): chr6:75,147,671, T>C on the plus strand (A>G on the coding strand, the complement: COL12A1 is on the minus strand). VCF-style: chr6-75147671-T-C. GRCh37 (hg19) VCF-style: chr6-75857387-T-C.
Other names: c.925+4A>G (NM_080645.3).
Identifiers: ClinVar variation 1504200 (VCV001504200.6), dbSNP rs2149409130, ClinGen allele CA2573141140.

ClinVar aggregate classification (germline): Uncertain significance (1 of 4 stars; one submission).

Conditions:
Ullrich congenital muscular dystrophy 2 (UCMD2). Identifiers: Orphanet 75840, MedGen C4225314, MONDO:0014654, OMIM 616470.
Bethlem myopathy 2 (BTHLM2). Identifiers: Orphanet 536516, Orphanet 610, MedGen C4225313, MONDO:0034022, OMIM 616471.

Submission:

Labcorp Genetics (formerly Invitae), Labcorp
Classification: Uncertain significance for Bethlem myopathy 2; Ullrich congenital muscular dystrophy 2. Last evaluated: 2021-10-05. Review status: criteria provided, single submitter. Criteria: Invitae Variant Classification Sherloc (09022015). Collection method: clinical testing. Allele origin: germline.
Comment: Variants that disrupt the consensus splice site are a relatively common cause of aberrant splicing (PMID: 17576681, 9536098). Algorithms developed to predict the effect of sequence changes on RNA splicing suggest that this variant may disrupt the consensus splice site. This variant has not been reported in the literature in individuals affected with COL12A1-related conditions. This variant is not present in population databases (ExAC no frequency). This sequence change falls in intron 23 of the COL12A1 gene. It does not directly change the encoded amino acid sequence of the COL12A1 protein. It affects a nucleotide within the consensus splice site of the intron. In summary, the available evidence is currently insufficient to determine the role of this variant in disease. Therefore, it has been classified as a Variant of Uncertain Significance.

Literature cited by the submitters: PubMed 17576681; PubMed 9536098.